The following is an entry in ClinVar:

ClinVar aggregate classification (germline): Conflicting classifications of pathogenicity. Review status: criteria provided, conflicting classifications (1 of 4 stars). 2 submissions from 2 submitters: Uncertain significance (1); Likely benign (1). Last evaluated 2026-02-04.

Conditions:
Immunodeficiency, common variable, 10. Also called: IMMUNODEFICIENCY, COMMON VARIABLE, WITH CENTRAL ADRENAL INSUFFICIENCY; DEFICIT IN ANTERIOR PITUITARY FUNCTION AND VARIABLE IMMUNODEFICIENCY. Identifiers: MedGen C3809991, MONDO:0014260, OMIM 615577.
Inborn genetic diseases. Identifiers: MedGen C0950123, MeSH D030342.

Allele frequency attached by ClinVar (database versions not stated): gnomAD exomes 0.00001.
gnomAD v4.1: 13 of 1,614,158 alleles (0.00081%); highest among the groups gnomAD compares: Non-Finnish European, 0.0011%; no homozygotes.

Submissions (2):

Labcorp Genetics (formerly Invitae), Labcorp
Classification: Uncertain significance for Immunodeficiency, common variable, 10. Last evaluated: 2026-02-04. Review status: criteria provided, single submitter. Criteria: Invitae Variant Classification Sherloc (09022015). Collection method: clinical testing. Allele origin: germline.
Comment: This sequence change replaces histidine, which is basic and polar, with tyrosine, which is neutral and polar, at codon 512 of the NFKB2 protein (p.His512Tyr). This variant is not present in population databases (gnomAD no frequency). This variant has not been reported in the literature in individuals affected with NFKB2-related conditions. ClinVar contains an entry for this variant (Variation ID: 1482053). An algorithm developed to predict the effect of missense changes on protein structure and function outputs the following: PolyPhen-2: "Benign". The tyrosine amino acid residue is found in multiple mammalian species, which suggests that this missense change does not adversely affect protein function. In summary, the available evidence is currently insufficient to determine the role of this variant in disease. Therefore, it has been classified as a Variant of Uncertain Significance.

Ambry Genetics
Classification: Likely benign for Inborn genetic diseases. Last evaluated: 2025-08-20. Review status: criteria provided, single submitter. Criteria: Ambry Variant Classification Scheme 2023. Collection method: clinical testing. Allele origin: germline.

NM_001322934.2(NFKB2):c.1534C>T (p.His512Tyr)

Gene: NFKB2 (nuclear factor kappa B subunit 2; plus strand). Cytogenetic location: 10q24.32.
Variant type: single nucleotide variant.
Coding change: c.1534C>T on transcript NM_001322934.2 (MANE Select); coding-DNA position 1534, C replaced by T.
Protein change: p.His512Tyr; replaces histidine 512 with tyrosine.
Molecular consequence: missense variant.
Genome position (GRCh38, 1-based): chr10:102,400,144, C>T. VCF-style: chr10-102400144-C-T. GRCh37 (hg19) VCF-style: chr10-104159901-C-T.
Other names: c.1534C>T (NM_001077494.1); c.1534C>T, p.His512Tyr (NM_001077494.3, NM_001261403.3, NM_001288724.1 and 1 more transcripts); c.1408C>T, p.His470Tyr (NM_001322935.1); short protein forms H512Y, H470Y.
Identifiers: ClinVar variation 1482053 (VCV001482053.7), dbSNP rs2135437164, ClinGen allele CA377899864.